The following is an entry in ClinVar:

ClinVar aggregate classification (germline): Pathogenic (1 of 4 stars; one submission).

Conditions:
Hereditary breast ovarian cancer syndrome. Also called: Breast and ovarian cancer; Hereditary breast and ovarian cancer; Hereditary breast and/or ovarian cancer syndrome; BRCA1- and BRCA2-Associated Hereditary Breast and Ovarian Cancer; Hereditary breast and ovarian cancer syndrome (HBOC); Hereditary breast and ovarian cancer syndrome. Identifiers: Orphanet 145, MedGen C0677776, MeSH D061325, MONDO:0003582. Disease mechanism: loss of function.

Submission:

Labcorp Genetics (formerly Invitae), Labcorp
Classification: Pathogenic for Hereditary breast ovarian cancer syndrome. Last evaluated: 2016-09-27. Review status: criteria provided, single submitter. Criteria: Invitae Variant Classification Sherloc (09022015). Collection method: clinical testing. Allele origin: germline.
Comment: This variant is a gross deletion of the genomic region encompassing exon 23 of the BRCA1 gene. The 5' boundary is likely confined to intron 22. The 3' end of this event is unknown as it extends through the termination codon beyond the assayed region for this gene and may encompass additional genes. While this deletion is not anticipated to result in nonsense mediated decay, it is expected to create a truncated BRCA1 protein. Deletions encompassing exon 23, which is known as exon 24 in the literature, have been reported in individuals with a personal or family history of breast and ovarian cancer (PMID: 24825132, 25428789, 18431737). This deletion is expected to partially remove the C-terminal BRCT domain of the BRCA1 protein, which is important for DNA repair activity (PMID: 14576433, 15133503). A different deleterious variant (p.Tyr1853*) within the deleted sequence of this variant has been shown to disrupt BRCA1 protein function (PMID: 8942979, 20681793, 10811118, 11256609, 17308087), suggesting that although this particular variant may not result in nonsense mediated decay, it is expected to affect BRCA1 protein function. For these reasons, this variant has been classified as Pathogenic.

NC_000017.11:g.(?_43044295)_(43045802_?)del

Gene: BRCA1 (BRCA1 DNA repair associated; minus strand). Cytogenetic location: 17q21.31.
Variant type: Deletion.
Identifiers: ClinVar variation 417600 (VCV000417600.1).